The following is an entry in ClinVar:

NM_001004356.3(FGFRL1):c.1126C>T (p.Pro376Ser)

Gene: FGFRL1 (fibroblast growth factor receptor like 1; plus strand). Cytogenetic location: 4p16.3.
Variant type: single nucleotide variant.
Coding change: c.1126C>T on transcript NM_001004356.3 (MANE Select); coding-DNA position 1126, C replaced by T.
Protein change: p.Pro376Ser; replaces proline 376 with serine.
Molecular consequence: missense variant.
Genome position (GRCh38, 1-based): chr4:1,024,958, C>T. VCF-style: chr4-1024958-C-T. GRCh37 (hg19) VCF-style: chr4-1018746-C-T.
Other names: c.1126C>T, p.Pro376Ser (NM_001004358.1, NM_001370296.1, NM_021923.3); short protein forms P376S.
Identifiers: ClinVar variation 1916645 (VCV001916645.5), dbSNP rs749241683, ClinGen allele CA2803005.

ClinVar aggregate classification (germline): Uncertain significance (1 of 4 stars; one submission).

Allele frequency attached by ClinVar (database versions not stated): ExAC 0.00001.
gnomAD v4.1: 8 of 1,607,812 alleles (0.0005%); highest among the groups gnomAD compares: Non-Finnish European, 0.00059%; no homozygotes.

Submission:

Labcorp Genetics (formerly Invitae), Labcorp
Classification: Uncertain significance. Last evaluated: 2023-10-13. Review status: criteria provided, single submitter. Criteria: Invitae Variant Classification Sherloc (09022015). Collection method: clinical testing. Allele origin: germline.
Comment: This sequence change replaces proline, which is neutral and non-polar, with serine, which is neutral and polar, at codon 376 of the FGFRL1 protein (p.Pro376Ser). The frequency data for this variant in the population databases is considered unreliable, as metrics indicate poor data quality at this position in the gnomAD database. This variant has not been reported in the literature in individuals affected with FGFRL1-related conditions. ClinVar contains an entry for this variant (Variation ID: 1916645). An algorithm developed to predict the effect of missense changes on protein structure and function (PolyPhen-2) suggests that this variant is likely to be disruptive. In summary, the available evidence is currently insufficient to determine the role of this variant in disease. Therefore, it has been classified as a Variant of Uncertain Significance.